The following is an entry in ClinVar:

ClinVar aggregate classification (germline): Uncertain significance (1 of 4 stars; one submission).

gnomAD v4.1: 1 of 1,609,228 alleles (0.000062%); highest among the groups gnomAD compares: Non-Finnish European, 0.000085%; no homozygotes.

Submission:

Labcorp Genetics (formerly Invitae), Labcorp
Classification: Uncertain significance. Last evaluated: 2023-08-28. Review status: criteria provided, single submitter. Criteria: Invitae Variant Classification Sherloc (09022015). Collection method: clinical testing. Allele origin: germline.
Comment: This sequence change replaces valine, which is neutral and non-polar, with alanine, which is neutral and non-polar, at codon 669 of the MPP5 protein (p.Val669Ala). This variant is not present in population databases (gnomAD no frequency). This variant has not been reported in the literature in individuals affected with MPP5-related conditions. Algorithms developed to predict the effect of missense changes on protein structure and function (SIFT, PolyPhen-2, Align-GVGD) all suggest that this variant is likely to be disruptive. In summary, the available evidence is currently insufficient to determine the role of this variant in disease. Therefore, it has been classified as a Variant of Uncertain Significance.

NM_022474.4(PALS1):c.2006T>C (p.Val669Ala)

Genes: GPHN (gephyrin; plus strand), PALS1 (protein associated with LIN7 1, MAGUK p55 family member; plus strand). Cytogenetic location: 14q23.3.
Variant type: single nucleotide variant.
Coding change: c.2006T>C on transcript NM_022474.4 (MANE Select); coding-DNA position 2006, T replaced by C.
Protein change: p.Val669Ala; replaces valine 669 with alanine.
Molecular consequence: missense variant.
Genome position (GRCh38, 1-based): chr14:67,332,934, T>C. VCF-style: chr14-67332934-T-C. GRCh37 (hg19) VCF-style: chr14-67799651-T-C.
Other names: c.1904T>C, p.Val635Ala (NM_001256550.2); short protein forms V635A, V669A.
Identifiers: ClinVar variation 4791995 (VCV004791995.1).
Genomic context (GRCh38, chr14:67,332,934, plus strand): 5'-ATAAAGCCTATCAGGAATTGCTTAGGTTAATTAACAAACTTGATACTGAACCTCAGTGGG[T>C]ACCATCCACTTGGCTGAGGTGAAAGAAACATCCATTCTGTGGCATGTTGGACTTGATCTG-3'
Protein context (NP_071919.2, residues 659-675): INKLDTEPQW[Val669Ala]PSTWLR